The following is an entry in ClinVar:

ClinVar aggregate classification (germline): Uncertain significance (1 of 4 stars; one submission).

Submission:

Women's Health and Genetics/Laboratory Corporation of America, LabCorp
Classification: Uncertain significance. Last evaluated: 2025-12-10. Review status: criteria provided, single submitter. Criteria: LabCorp Variant Classification Summary - May 2015. Collection method: clinical testing. Allele origin: germline.
Comment: Variant summary: DBT c.789G>C (p.Met263Ile) results in a conservative amino acid change in the encoded protein sequence. Algorithms developed to predict the effect of missense changes on protein structure and function are either unavailable or do not agree on the potential impact of this missense change. The variant was absent in 251328 control chromosomes. The available data on variant occurrences in the general population are insufficient to allow any conclusion about variant significance. To our knowledge, no occurrence of c.789G>C in individuals affected with DBT-related conditions and no experimental evidence demonstrating its impact on protein function have been reported. No submitters have cited clinical-significance assessments for this variant to ClinVar. Based on the evidence outlined above, the variant was classified as uncertain significance.

NM_001918.5(DBT):c.789G>C (p.Met263Ile)

Gene: DBT (dihydrolipoamide branched chain transacylase E2; minus strand). Cytogenetic location: 1p21.2.
Variant type: single nucleotide variant.
Coding change: c.789G>C on transcript NM_001918.5 (MANE Select); coding-DNA position 789, G replaced by C.
Protein change: p.Met263Ile; replaces methionine 263 with isoleucine.
Molecular consequence: missense variant. On other transcripts: non-coding transcript variant (4).
Genome position (GRCh38, 1-based): chr1:100,214,967, C>G on the plus strand (G>C on the coding strand, the complement: DBT is on the minus strand). VCF-style: chr1-100214967-C-G. GRCh37 (hg19) VCF-style: chr1-100680523-C-G.
Other names: c.246G>C, p.Met82Ile (NM_001399969.1, NM_001399972.1); short protein forms M263I, M82I.
Identifiers: ClinVar variation 4688413 (VCV004688413.1).